The following is an entry in ClinVar:

NM_006494.4(ERF):c.909C>G (p.Phe303Leu)

Gene: ERF (ETS2 repressor factor; minus strand). Cytogenetic location: 19q13.2.
Variant type: single nucleotide variant.
Coding change: c.909C>G on transcript NM_006494.4 (MANE Select); coding-DNA position 909, C replaced by G.
Protein change: p.Phe303Leu; replaces phenylalanine 303 with leucine.
Molecular consequence: missense variant.
Genome position (GRCh38, 1-based): chr19:42,249,203, G>C on the plus strand (C>G on the coding strand, the complement: ERF is on the minus strand). VCF-style: chr19-42249203-G-C. GRCh37 (hg19) VCF-style: chr19-42753355-G-C.
Other names: c.684C>G, p.Phe228Leu (NM_001301035.2, NM_001308402.2, NM_001312656.2); short protein forms F228L, F303L.
Identifiers: ClinVar variation 3603204 (VCV003603204.1).

ClinVar aggregate classification (germline): Uncertain significance (1 of 4 stars; one submission).

Submission:

GeneDx
Classification: Uncertain significance. Last evaluated: 2024-08-05. Review status: criteria provided, single submitter. Criteria: GeneDx Variant Classification Process June 2021. Collection method: clinical testing. Allele origin: germline. Affected: yes.
Comment: Not observed at significant frequency in large population cohorts (gnomAD); In silico analysis indicates that this missense variant does not alter protein structure/function; Has not been previously published as pathogenic or benign to our knowledge